The following is an entry in ClinVar:

NM_000059.4(BRCA2):c.6997G>T (p.Val2333Leu)

Gene: BRCA2 (BRCA2 DNA repair associated; plus strand). Cytogenetic location: 13q13.1.
Variant type: single nucleotide variant.
Coding change: c.6997G>T on transcript NM_000059.4 (MANE Select); coding-DNA position 6997, G replaced by T.
Protein change: p.Val2333Leu; replaces valine 2333 with leucine.
Molecular consequence: missense variant.
Genome position (GRCh38, 1-based): chr13:32,346,886, G>T. VCF-style: chr13-32346886-G-T. GRCh37 (hg19) VCF-style: chr13-32921023-G-T.
Other names: short protein forms V2333L.
Identifiers: ClinVar variation 1025443 (VCV001025443.9), dbSNP rs587781842, ClinGen allele CA387793160.

ClinVar aggregate classification (germline): Uncertain significance (1 of 4 stars; one submission).

Conditions:
Hereditary breast ovarian cancer syndrome. Also called: Hereditary breast and ovarian cancer; Hereditary breast and ovarian cancer syndrome (HBOC); Hereditary breast and ovarian cancer syndrome; BRCA1- and BRCA2-Associated Hereditary Breast and Ovarian Cancer; Hereditary breast and/or ovarian cancer syndrome; Breast and ovarian cancer. Identifiers: Orphanet 145, MedGen C0677776, MeSH D061325, MONDO:0003582. Disease mechanism: loss of function.

Submission:

Labcorp Genetics (formerly Invitae), Labcorp
Classification: Uncertain significance for Hereditary breast ovarian cancer syndrome. Last evaluated: 2020-06-11. Review status: criteria provided, single submitter. Criteria: Invitae Variant Classification Sherloc (09022015). Collection method: clinical testing. Allele origin: germline.
Comment: This variant has not been reported in the literature in individuals with BRCA2-related conditions. In summary, the available evidence is currently insufficient to determine the role of this variant in disease. Therefore, it has been classified as a Variant of Uncertain Significance. Algorithms developed to predict the effect of missense changes on protein structure and function (SIFT, PolyPhen-2, Align-GVGD) all suggest that this variant is likely to be tolerated, but these predictions have not been confirmed by published functional studies and their clinical significance is uncertain. This variant is not present in population databases (ExAC no frequency). This sequence change replaces valine with leucine at codon 2333 of the BRCA2 protein (p.Val2333Leu). The valine residue is weakly conserved and there is a small physicochemical difference between valine and leucine.